The following is an entry in ClinVar:

ClinVar aggregate classification (germline): Uncertain significance (1 of 4 stars; one submission).

Conditions:
Autosomal recessive mendelian susceptibility to mycobacterial diseases due to complete RORgamma receptor deficiency. Also called: Immunodeficiency 42. Identifiers: Orphanet 477857, MedGen C5567647, MONDO:0014710, OMIM 616622.

Submission:

Labcorp Genetics (formerly Invitae), Labcorp
Classification: Uncertain significance for Autosomal recessive mendelian susceptibility to mycobacterial diseases due to complete RORgamma receptor deficiency. Last evaluated: 2019-04-18. Review status: criteria provided, single submitter. Criteria: Invitae Variant Classification Sherloc (09022015). Collection method: clinical testing. Allele origin: germline.
Comment: This variant is not present in population databases (ExAC no frequency). This sequence change replaces proline with serine at codon 132 of the RORC protein (p.Pro132Ser). The proline residue is weakly conserved and there is a moderate physicochemical difference between proline and serine. This variant has not been reported in the literature in individuals with RORC-related conditions. Algorithms developed to predict the effect of missense changes on protein structure and function (SIFT, PolyPhen-2, Align-GVGD) all suggest that this variant is likely to be tolerated, but these predictions have not been confirmed by published functional studies and their clinical significance is uncertain. In summary, the available evidence is currently insufficient to determine the role of this variant in disease. Therefore, it has been classified as a Variant of Uncertain Significance.

NM_005060.4(RORC):c.394C>T (p.Pro132Ser)

Gene: RORC (RAR related orphan receptor C; minus strand). Cytogenetic location: 1q21.3.
Variant type: single nucleotide variant.
Coding change: c.394C>T on transcript NM_005060.4 (MANE Select); coding-DNA position 394, C replaced by T.
Protein change: p.Pro132Ser; replaces proline 132 with serine.
Molecular consequence: missense variant.
Genome position (GRCh38, 1-based): chr1:151,815,330, G>A on the plus strand (C>T on the coding strand, the complement: RORC is on the minus strand). VCF-style: chr1-151815330-G-A. GRCh37 (hg19) VCF-style: chr1-151787806-G-A.
Other names: c.331C>T, p.Pro111Ser (NM_001001523.2); short protein forms P111S, P132S.
Identifiers: ClinVar variation 853522 (VCV000853522.9), dbSNP rs770398960, ClinGen allele CA342017291.
Genomic context (GRCh38, chr1:151,815,330, plus strand): 5'-CCAAGGTGTAGGTGAGGGTATCTGCTCCTTGGGCCCCTGCTGGAGGGGTCTTGACCACTG[G>A]TTCCTGTTGCTGCTGTTGCCGCTGCTGCAGCTGTTTCTGCACTTCTGCATGCAGGCTGTC-3'
Protein context (NP_005051.2, residues 122-142): LQQRQQQQQE[Pro132Ser]VVKTPPAGAQ